The following is an entry in ClinVar:

NM_006231.4(POLE):c.6237C>G (p.Asn2079Lys)

Gene: POLE (DNA polymerase epsilon, catalytic subunit; minus strand). Cytogenetic location: 12q24.33.
Variant type: single nucleotide variant.
Coding change: c.6237C>G on transcript NM_006231.4 (MANE Select); coding-DNA position 6237, C replaced by G.
Protein change: p.Asn2079Lys; replaces asparagine 2079 with lysine.
Molecular consequence: missense variant.
Genome position (GRCh38, 1-based): chr12:132,632,408, G>C on the plus strand (C>G on the coding strand, the complement: POLE is on the minus strand). VCF-style: chr12-132632408-G-C. GRCh37 (hg19) VCF-style: chr12-133208994-G-C.
Other names: short protein forms N2079K.
Identifiers: ClinVar variation 1043960 (VCV001043960.8), dbSNP rs1349472933, ClinGen allele CA387369585.
Genomic context (GRCh38, chr12:132,632,408, plus strand): 5'-GTTATTGAGCAGCAAGTGGGAACCGGGGAGGACAGGAAACATCTCTGAGAGCTCAGTGGA[G>C]TTCCGAGAGCCTGTGACTTTCTTCTGAATCTTCTGAGTGATGGTGAAGAAGCTCTGAGTG-3'
Protein context (NP_006222.2, residues 2069-2089): KIQKKVTGSR[Asn2079Lys]STELSEMFPV

ClinVar aggregate classification (germline): Uncertain significance (1 of 4 stars; one submission).

Submission:

Labcorp Genetics (formerly Invitae), Labcorp
Classification: Uncertain significance. Last evaluated: 2020-10-25. Review status: criteria provided, single submitter. Criteria: Invitae Variant Classification Sherloc (09022015). Collection method: clinical testing. Allele origin: germline.
Comment: In summary, the available evidence is currently insufficient to determine the role of this variant in disease. Therefore, it has been classified as a Variant of Uncertain Significance. Algorithms developed to predict the effect of missense changes on protein structure and function (SIFT, PolyPhen-2, Align-GVGD) all suggest that this variant is likely to be tolerated, but these predictions have not been confirmed by published functional studies and their clinical significance is uncertain. This variant has not been reported in the literature in individuals with POLE-related conditions. This variant is not present in population databases (ExAC no frequency). This sequence change replaces asparagine with lysine at codon 2079 of the POLE protein (p.Asn2079Lys). The asparagine residue is weakly conserved and there is a moderate physicochemical difference between asparagine and lysine.